The following is an entry in ClinVar:

NM_000492.4(CFTR):c.4142A>G (p.Tyr1381Cys)

Gene: CFTR (CF transmembrane conductance regulator; plus strand). Cytogenetic location: 7q31.2.
Variant type: single nucleotide variant.
Coding change: c.4142A>G on transcript NM_000492.4 (MANE Select); coding-DNA position 4142, A replaced by G.
Protein change: p.Tyr1381Cys; replaces tyrosine 1381 with cysteine.
Molecular consequence: missense variant.
Genome position (GRCh38, 1-based): chr7:117,665,464, A>G. VCF-style: chr7-117665464-A-G. GRCh37 (hg19) VCF-style: chr7-117305518-A-G.
Other names: short protein forms Y1381C.
Identifiers: ClinVar variation 411115 (VCV000411115.8), dbSNP rs776388660, ClinGen allele CA16612027.

ClinVar aggregate classification (germline): Uncertain significance. Review status: criteria provided, multiple submitters, no conflicts (2 of 4 stars). 4 submissions from 4 submitters: Uncertain significance (3). 1 of the submissions does not count toward it. Last evaluated 2025-12-26.

Conditions:
CFTR-related disorder (CFTR-RD). Also called: CFTR-related disorders; CFTR-related condition. Identifiers: MedGen C5924204, MONDO:7770004.
Cystic fibrosis (CF). Also called: MUCOVISCIDOSIS. Identifiers: Orphanet 586, MedGen C0010674, MONDO:0009061, OMIM 219700. Disease mechanism: loss of function.

Allele frequency attached by ClinVar (database versions not stated): gnomAD 0.00001; TOPMed 0.00002.
gnomAD v4.1: 6 of 1,590,032 alleles (0.00038%); highest among the groups gnomAD compares: Non-Finnish European, 0.00052%; no homozygotes.

Submissions (4):

Women's Health and Genetics/Laboratory Corporation of America, LabCorp
Classification: Uncertain significance. Last evaluated: 2025-12-26. Review status: criteria provided, single submitter. Criteria: LabCorp Variant Classification Summary - May 2015. Collection method: clinical testing. Allele origin: germline.
Comment: Variant summary: CFTR c.4142A>G (p.Tyr1381Cys) results in a non-conservative amino acid change in the encoded protein sequence. Algorithms developed to predict the effect of missense changes on protein structure and function all suggest that this variant is likely to be disruptive. The variant allele was found at a frequency of 4e-06 in 249758 control chromosomes. The available data on variant occurrences in the general population are insufficient to allow any conclusion about variant significance. To our knowledge, no occurrence of c.4142A>G in individuals affected with CFTR-related conditions and no experimental evidence demonstrating its impact on protein function have been reported. ClinVar contains an entry for this variant (Variation ID: 411115). Based on the evidence outlined above, the variant was classified as uncertain significance.

Ambry Genetics
Classification: Uncertain significance for Cystic fibrosis. Last evaluated: 2024-06-03. Review status: criteria provided, single submitter. Criteria: Ambry Variant Classification Scheme 2023. Collection method: clinical testing. Allele origin: germline.
Comment: The p.Y1381C variant (also known as c.4142A>G), located in coding exon 26 of the CFTR gene, results from an A to G substitution at nucleotide position 4142. The tyrosine at codon 1381 is replaced by cysteine, an amino acid with highly dissimilar properties. This amino acid position is not well conserved in available vertebrate species. In addition, the in silico prediction for this alteration is inconclusive. Based on the available evidence, the clinical significance of this variant remains unclear.

Labcorp Genetics (formerly Invitae), Labcorp
Classification: Uncertain significance for Cystic fibrosis. Last evaluated: 2022-09-23. Review status: criteria provided, single submitter. Criteria: Invitae Variant Classification Sherloc (09022015). Collection method: clinical testing. Allele origin: germline.
Comment: This sequence change replaces tyrosine, which is neutral and polar, with cysteine, which is neutral and slightly polar, at codon 1381 of the CFTR protein (p.Tyr1381Cys). This variant is present in population databases (no rsID available, gnomAD 0.0009%). This variant has not been reported in the literature in individuals affected with CFTR-related conditions. ClinVar contains an entry for this variant (Variation ID: 411115). Algorithms developed to predict the effect of missense changes on protein structure and function (SIFT, PolyPhen-2, Align-GVGD) all suggest that this variant is likely to be tolerated. In summary, the available evidence is currently insufficient to determine the role of this variant in disease. Therefore, it has been classified as a Variant of Uncertain Significance.

Natera, Inc.
Classification: Uncertain significance for CFTR-related disorders. Last evaluated: 2018-09-20. Review status: no assertion criteria provided. Collection method: clinical testing. Allele origin: germline. Not counted in ClinVar's aggregate classification.